The following is an entry in ClinVar:

NM_016120.4(RLIM):c.1121G>A (p.Gly374Asp)

Gene: RLIM (ring finger protein, LIM domain interacting; minus strand). Cytogenetic location: Xq13.2.
Variant type: single nucleotide variant.
Coding change: c.1121G>A on transcript NM_016120.4 (MANE Select); coding-DNA position 1121, G replaced by A.
Protein change: p.Gly374Asp; replaces glycine 374 with aspartic acid.
Molecular consequence: missense variant.
Genome position (GRCh38, 1-based): chrX:74,592,194, C>T on the plus strand (G>A on the coding strand, the complement: RLIM is on the minus strand). VCF-style: chrX-74592194-C-T. GRCh37 (hg19) VCF-style: chrX-73812029-C-T.
Other names: c.1121G>A, p.Gly374Asp (NM_183353.3); short protein forms G374D.
Identifiers: ClinVar variation 2826048 (VCV002826048.3), dbSNP rs2519834354, ClinGen allele CA413660873.
Genomic context (GRCh38, chrX:74,592,194, plus strand): 5'-AAACCAGTATTTAAGATTCTACGAATGGGAATTCTGATGGTACTGACATAGGTTCTCACA[C>T]CTGCCCGCTCAGAACGTGAAAATGTACGCCTAAAACCTCCTCGTTCACTTTCATAGGTGA-3'
Protein context (NP_057204.2, residues 364-384): RRTFSRSERA[Gly374Asp]VRTYVSTIRI

ClinVar aggregate classification (germline): Uncertain significance (1 of 4 stars; one submission).

Submission:

Labcorp Genetics (formerly Invitae), Labcorp
Classification: Uncertain significance. Last evaluated: 2023-01-28. Review status: criteria provided, single submitter. Criteria: Invitae Variant Classification Sherloc (09022015). Collection method: clinical testing. Allele origin: germline.
Comment: In summary, the available evidence is currently insufficient to determine the role of this variant in disease. Therefore, it has been classified as a Variant of Uncertain Significance. Advanced modeling of protein sequence and biophysical properties (such as structural, functional, and spatial information, amino acid conservation, physicochemical variation, residue mobility, and thermodynamic stability) performed at Invitae indicates that this missense variant is not expected to disrupt RLIM protein function. This variant has not been reported in the literature in individuals affected with RLIM-related conditions. This variant is not present in population databases (gnomAD no frequency). This sequence change replaces glycine, which is neutral and non-polar, with aspartic acid, which is acidic and polar, at codon 374 of the RLIM protein (p.Gly374Asp).